The following is an entry in ClinVar:

ClinVar aggregate classification (germline): Benign/Likely benign. Review status: criteria provided, multiple submitters, no conflicts (2 of 4 stars). 22 submissions from 22 submitters: Benign (13); Likely benign (6). 3 of the submissions do not count toward it. Last evaluated 2026-09-01.

Conditions:
Tuberous sclerosis 2 (TSC2). Identifiers: Orphanet 805, MedGen C1860707, MONDO:0013199, OMIM 613254.
Lymphangiomyomatosis (LAM). Also called: Lymphangioleiomyomatosis; Lymphangioleiomyomatosis, somatic. Identifiers: Orphanet 538, MedGen C0751674, MONDO:0011705, OMIM 606690.
Isolated focal cortical dysplasia type II (FCORD2). Also called: Focal cortical dysplasia type II; CORTICAL DYSPLASIA OF TAYLOR. Identifiers: Orphanet 268994, MedGen C1846385, MONDO:0011818, OMIM 607341, HP:0032051.
Hereditary cancer-predisposing syndrome. Also called: Neoplastic Syndromes, Hereditary; Tumor predisposition; Hereditary Cancer Syndrome; Hereditary neoplastic syndrome. Identifiers: Orphanet 140162, MedGen C0027672, MeSH D009386, MONDO:0015356.
Tuberous sclerosis syndrome (TSC). Also called: Tuberous Sclerosis Complex; Tuberous sclerosis. Identifiers: Orphanet 805, MedGen C0041341, MONDO:0001734.

Allele frequency attached by ClinVar (database versions not stated): 1000 Genomes Project 30x 0.00172; gnomAD exomes 0.00252 and 0.00395; ESP Exome Variant Server 0.00256; 1000 Genomes Project 0.00160; gnomAD 0.00273 and 0.00275; TOPMed 0.00317; ExAC 0.00494.
gnomAD v4.1: 6,017 of 1,575,890 alleles (0.38%); highest among the groups gnomAD compares: Non-Finnish European, 0.47%; 15 homozygotes.

Submissions (22):

CeGaT Center for Human Genetics Tuebingen
Classification: Benign. Last evaluated: 2026-09-01. Review status: criteria provided, single submitter. Criteria: CeGaT Center For Human Genetics Tuebingen Variant Classification Criteria Version 2. Collection method: clinical testing. Allele origin: germline. Affected: yes. Observed: 83 variant alleles.
Comment: TSC2: BP4, BS1, BS2

Labcorp Genetics (formerly Invitae), Labcorp
Classification: Benign for Tuberous sclerosis 2. Last evaluated: 2026-02-04. Review status: criteria provided, single submitter. Criteria: Invitae Variant Classification Sherloc (09022015). Collection method: clinical testing. Allele origin: germline.

Mayo Clinic Laboratories, Mayo Clinic
Classification: Likely benign. Last evaluated: 2025-12-02. Review status: criteria provided, single submitter. Criteria: ACMG Guidelines, 2015. Collection method: clinical testing. Allele origin: germline. Observed: 5 variant alleles.
Comment: BS1, BP4, BP7

Myriad Genetics, Inc.
Classification: Benign for Tuberous sclerosis 2. Last evaluated: 2025-06-02. Review status: criteria provided, single submitter. Criteria: Myriad Autosomal Dominant, Autosomal Recessive and X-Linked Classification Criteria (2023). Collection method: clinical testing. Allele origin: unknown.
Comment: This variant is considered benign. This variant is intronic and is not expected to impact mRNA splicing. This variant has been observed at a population frequency that is significantly greater than expected given the associated disease prevalence and penetrance.

ARUP Laboratories, Molecular Genetics and Genomics, ARUP Laboratories
Classification: Benign. Last evaluated: 2025-04-14. Review status: criteria provided, single submitter. Criteria: ARUP Molecular Germline Variant Investigation Process 2024. Collection method: clinical testing. Allele origin: germline.

Blueprint Genetics
Classification: Likely benign. Last evaluated: 2024-11-22. Review status: criteria provided, single submitter. Criteria: ACMG Guidelines, 2015. Collection method: clinical testing. Allele origin: germline.

Department of Pathology and Laboratory Medicine, Sinai Health System
Classification: Benign for tuberous sclerosis. Last evaluated: 2022-08-26. Review status: criteria provided, single submitter. Criteria: ACMG Guidelines, 2015. Collection method: clinical testing. Allele origin: germline. Affected: yes.

Genome-Nilou Lab
Classification: Benign for Tuberous sclerosis 2. Last evaluated: 2021-11-07. Review status: criteria provided, single submitter. Criteria: ACMG Guidelines, 2015. Collection method: clinical testing. Allele origin: germline. Affected: no.

Fulgent Genetics
Classification: Likely benign for Lymphangiomyomatosis; Isolated focal cortical dysplasia type II; Tuberous sclerosis 2. Last evaluated: 2021-08-05. Review status: criteria provided, single submitter. Criteria: ACMG Guidelines, 2015. Collection method: clinical testing. Allele origin: unknown.

Quest Diagnostics Nichols Institute San Juan Capistrano
Classification: Benign. Last evaluated: 2021-04-01. Review status: criteria provided, single submitter. Criteria: Quest Diagnostics criteria. Collection method: clinical testing. Allele origin: unknown.

Genetic Services Laboratory, University of Chicago
Classification: Benign. Last evaluated: 2021-03-29. Review status: criteria provided, single submitter. Criteria: ACMG Guidelines, 2015. Collection method: clinical testing. Allele origin: germline. Affected: no.

Sema4
Classification: Benign for Hereditary cancer-predisposing syndrome. Last evaluated: 2020-07-15. Review status: criteria provided, single submitter. Criteria: Sema4 Curation Guidelines. Collection method: curation. Allele origin: germline.

Women's Health and Genetics/Laboratory Corporation of America, LabCorp
Classification: Benign. Last evaluated: 2020-02-07. Review status: criteria provided, single submitter. Criteria: LabCorp Variant Classification Summary - May 2015. Collection method: clinical testing. Allele origin: germline.
Comment: Variant summary: TSC2 c.4006-8C>T alters a nucleotide located close to a canonical splice site and therefore could affect mRNA splicing, leading to a significantly altered protein sequence. 4/4 computational tools predict no significant impact on normal splicing. However, these predictions have yet to be confirmed by functional studies. The variant allele was found at a frequency of 0.0025 in 189510 control chromosomes in the gnomAD database, including 4 homozygotes. The observed variant frequency is approximately 36.61 fold of the estimated maximal expected allele frequency for a pathogenic variant in TSC2 causing Tuberous Sclerosis Complex phenotype (6.9e-05), strongly suggesting that the variant is benign. To our knowledge, no occurrence of c.4006-8C>T in individuals affected with Tuberous Sclerosis Complex and no experimental evidence demonstrating its impact on protein function have been reported. Two clinical diagnostic laboratories have submitted clinical-significance assessments for this variant to ClinVar after 2014 without evidence for independent evaluation. All laboratories classified the variant as benign/likely benign. Based on the evidence outlined above, the variant was classified as benign.

Color Diagnostics, LLC DBA Color Health
Classification: Likely benign for Tuberous sclerosis syndrome. Last evaluated: 2019-03-29. Review status: criteria provided, single submitter. Criteria: ACMG Guidelines, 2015. Collection method: clinical testing. Allele origin: germline.

Institute of Human Genetics, University of Leipzig Medical Center
Classification: Likely benign for Tuberous sclerosis 2. Last evaluated: 2019-01-01. Review status: criteria provided, single submitter. Criteria: ACMG Guidelines, 2015. Collection method: clinical testing. Allele origin: unknown. Affected: yes.

Illumina Laboratory Services, Illumina
Classification: Likely benign for Tuberous sclerosis syndrome. Last evaluated: 2018-10-02. Review status: criteria provided, single submitter. Criteria: ICSL Variant Classification Criteria 13 December 2019. Collection method: clinical testing. Allele origin: germline.
Comment: This variant was observed as part of a predisposition screen in an ostensibly healthy population. A literature search was performed for the gene, cDNA change, and amino acid change (where applicable). Publications were found based on this search. The evidence from the literature, in combination with allele frequency data from public databases where available, was sufficient to determine this variant is unlikely to cause disease. Therefore, this variant is classified as likely benign.

Eurofins Ntd Llc (ga)
Classification: Benign. Last evaluated: 2014-11-14. Review status: criteria provided, single submitter. Criteria: EGL Classification Definitions 2015. Collection method: clinical testing. Allele origin: germline. Observed: 1 variant allele, 1 heterozygote.

GeneDx
Classification: Benign. Last evaluated: 2013-08-01. Review status: criteria provided, single submitter. Criteria: GeneDx Variant Classification (06012015). Collection method: clinical testing. Allele origin: germline. Affected: yes.
Comment: This variant is considered likely benign or benign based on one or more of the following criteria: it is a conservative change, it occurs at a poorly conserved position in the protein, it is predicted to be benign by multiple in silico algorithms, and/or has population frequency not consistent with disease.

PreventionGenetics, part of Exact Sciences
Classification: Benign. Review status: criteria provided, single submitter. Criteria: ACMG Guidelines, 2015. Collection method: clinical testing. Allele origin: germline.

Clinical Genetics, Academic Medical Center
Classification: Benign. Review status: no assertion criteria provided. Collection method: clinical testing. Allele origin: germline. Affected: yes. Study: VKGL Data-share Consensus. Not counted in ClinVar's aggregate classification.

Genome Diagnostics Laboratory, Amsterdam University Medical Center
Classification: Benign. Review status: no assertion criteria provided. Collection method: clinical testing. Allele origin: germline. Affected: yes. Study: VKGL Data-share Consensus. Not counted in ClinVar's aggregate classification.

Tuberous sclerosis database (TSC2)
No classification provided. Condition: TSC. Review status: no classification provided. Criteria: Tuberous Sclerosis Database Assertion Criteria 2015. Collection method: curation. Allele origin: germline. Affected: yes. Not counted in ClinVar's aggregate classification.

Literature cited by the submitters: PubMed 17304050 (cited by Quest Diagnostics Nichols Institute San Juan Capistrano); PubMed 15798777 (cited by Illumina Laboratory Services, Illumina).

NM_000548.5(TSC2):c.4006-8C>T

Gene: TSC2 (TSC complex subunit 2; plus strand). Cytogenetic location: 16p13.3.
Variant type: single nucleotide variant.
Coding change: c.4006-8C>T on transcript NM_000548.5 (MANE Select); 8 bases into the intron before coding-DNA position 4006, C replaced by T.
Molecular consequence: intron variant.
Genome position (GRCh38, 1-based): chr16:2,084,220, C>T. VCF-style: chr16-2084220-C-T. GRCh37 (hg19) VCF-style: chr16-2134221-C-T.
Other names: p.?; c.3937-8C>T (NM_001114382.3); c.3877-8C>T (NM_021055.3, NM_001370405.1); c.3808-8C>T (NM_001363528.2); c.3874-8C>T (NM_001370404.1); c.3805-8C>T (NM_001077183.3); c.3697-8C>T (NM_001318827.2); c.3274-8C>T (NM_001318831.2); and 2 more.
Identifiers: ClinVar variation 49281 (VCV000049281.62), dbSNP rs45517325, ClinGen allele CA019826.
Genomic context (GRCh38, chr16:2,084,220, plus strand): 5'-CAGGTCAACCCCAGGTGGGCTCGAGGGTGCCTGCTGACAGGGGTTCTCTTTGGGATGGTC[C>T]TTTCTAGTCGTCCTCAGTCTCCAGCCAGGAGGAGAAGTCGCTCCACGCGGAGGAGCTGGT-3'